The following is an entry in ClinVar:

ClinVar aggregate classification (germline): Uncertain significance (1 of 4 stars; one submission).

Conditions:
Long QT syndrome (LQTS). Identifiers: MedGen C0023976, MeSH D008133, MONDO:0002442. Disease mechanism: loss of function. Inheritance: Various modes of inheritance.

Submission:

Labcorp Genetics (formerly Invitae), Labcorp
Classification: Uncertain significance for Long QT syndrome. Last evaluated: 2023-06-15. Review status: criteria provided, single submitter. Criteria: Invitae Variant Classification Sherloc (09022015). Collection method: clinical testing. Allele origin: germline.
Comment: In summary, the available evidence is currently insufficient to determine the role of this variant in disease. Therefore, it has been classified as a Variant of Uncertain Significance. Advanced modeling of protein sequence and biophysical properties (such as structural, functional, and spatial information, amino acid conservation, physicochemical variation, residue mobility, and thermodynamic stability) performed at Invitae indicates that this missense variant is expected to disrupt CACNA1C protein function. This variant has not been reported in the literature in individuals affected with CACNA1C-related conditions. This variant is not present in population databases (gnomAD no frequency). This sequence change replaces glutamic acid, which is acidic and polar, with lysine, which is basic and polar, at codon 1575 of the CACNA1C protein (p.Glu1575Lys).

NM_000719.7(CACNA1C):c.4723G>A (p.Glu1575Lys)

Genes: CACNA1C (calcium voltage-gated channel subunit alpha1 C; plus strand), CACNA1C-AS2 (CACNA1C antisense RNA 2; minus strand). Cytogenetic location: 12p13.33.
Variant type: single nucleotide variant.
Coding change: c.4723G>A on transcript NM_000719.7 (MANE Select); coding-DNA position 4723, G replaced by A.
Protein change: p.Glu1575Lys; replaces glutamic acid 1575 with lysine.
Molecular consequence: missense variant.
Genome position (GRCh38, 1-based): chr12:2,669,032, G>A. VCF-style: chr12-2669032-G-A. GRCh37 (hg19) VCF-style: chr12-2778198-G-A.
Other names: c.4867G>A, p.Glu1623Lys (NM_001129827.2, NM_199460.4); c.4789G>A, p.Glu1597Lys (NM_001129829.2); c.4723G>A, p.Glu1575Lys (NM_001129830.3, NM_001129833.2, NM_001129834.2 and 7 more transcripts); c.4807G>A, p.Glu1603Lys (NM_001129831.2); c.4783G>A, p.Glu1595Lys (NM_001129832.2); c.4774G>A, p.Glu1592Lys (NM_001129836.2); c.4690G>A, p.Glu1564Lys (NM_001129837.2, NM_001129838.2, NM_001129846.2 and 1 more transcripts); c.4684G>A, p.Glu1562Lys (NM_001129839.2); and 1 more; short protein forms E1564K, E1572K, E1575K, E1597K, E1623K, E1562K, E1595K, E1603K.
Identifiers: ClinVar variation 2715917 (VCV002715917.3), dbSNP rs1556009743, ClinGen allele CA383377381.
Genomic context (GRCh38, chr12:2,669,032, plus strand): 5'-ACAGTCATGTTCAATGCCACCCTGTTTGCCCTGGTCAGGACGGCCCTGAGGATCAAAACA[G>A]AAGGTAAGGTCGCCCGTGGGCACTGGGAGAGACACTCAGAAGGTCTAGCAGACAATCAGA-3'
Protein context (NP_000710.5, residues 1565-1585): LVRTALRIKT[Glu1575Lys]GNLEQANEEL